The following is an entry in ClinVar:

ClinVar aggregate classification (germline): Uncertain significance (1 of 4 stars; one submission).

Submission:

Labcorp Genetics (formerly Invitae), Labcorp
Classification: Uncertain significance. Last evaluated: 2022-08-19. Review status: criteria provided, single submitter. Criteria: Invitae Variant Classification Sherloc (09022015). Collection method: clinical testing. Allele origin: germline.
Comment: This variant has not been reported in the literature in individuals affected with LAMA5-related conditions. This sequence change replaces alanine, which is neutral and non-polar, with serine, which is neutral and polar, at codon 3197 of the LAMA5 protein (p.Ala3197Ser). This variant is not present in population databases (gnomAD no frequency). Algorithms developed to predict the effect of missense changes on protein structure and function output the following: SIFT: "Tolerated"; PolyPhen-2: "Benign"; Align-GVGD: "Class C0". The serine amino acid residue is found in multiple mammalian species, which suggests that this missense change does not adversely affect protein function. In summary, the available evidence is currently insufficient to determine the role of this variant in disease. Therefore, it has been classified as a Variant of Uncertain Significance.

NM_005560.6(LAMA5):c.9589G>T (p.Ala3197Ser)

Gene: LAMA5 (laminin subunit alpha 5; minus strand). Cytogenetic location: 20q13.33.
Variant type: single nucleotide variant.
Coding change: c.9589G>T on transcript NM_005560.6 (MANE Select); coding-DNA position 9589, G replaced by T.
Protein change: p.Ala3197Ser; replaces alanine 3197 with serine.
Molecular consequence: missense variant.
Genome position (GRCh38, 1-based): chr20:62,311,966, C>A on the plus strand (G>T on the coding strand, the complement: LAMA5 is on the minus strand). VCF-style: chr20-62311966-C-A. GRCh37 (hg19) VCF-style: chr20-60887022-C-A.
Other names: short protein forms A3197S.
Identifiers: ClinVar variation 1716766 (VCV001716766.5), dbSNP rs151230514, ClinGen allele CA409540333.